The following is an entry in ClinVar:

ClinVar aggregate classification (germline): Likely benign. Review status: reviewed by expert panel (3 of 4 stars). 5 submissions from 5 submitters: Likely benign (1). 4 of the submissions do not count toward it. Last evaluated 2017-06-29.

Conditions:
Breast-ovarian cancer, familial, susceptibility to, 1 (BROVCA1). Also called: BRCA1 Hereditary Breast and Ovarian Cancer; OVARIAN CANCER, SUSCEPTIBILITY TO. Identifiers: Orphanet 145, MedGen C2676676, MONDO:0011450, OMIM 604370. Disease mechanism: loss of function.
Hereditary breast ovarian cancer syndrome. Also called: Hereditary breast and ovarian cancer syndrome; Breast and ovarian cancer; Hereditary breast and ovarian cancer syndrome (HBOC); Hereditary breast and/or ovarian cancer syndrome; BRCA1- and BRCA2-Associated Hereditary Breast and Ovarian Cancer; Hereditary breast and ovarian cancer. Identifiers: Orphanet 145, MedGen C0677776, MeSH D061325, MONDO:0003582. Disease mechanism: loss of function.
Hereditary cancer-predisposing syndrome. Also called: Neoplastic Syndromes, Hereditary; Hereditary neoplastic syndrome; Hereditary Cancer Syndrome; Tumor predisposition. Identifiers: Orphanet 140162, MedGen C0027672, MeSH D009386, MONDO:0015356.

Allele frequency attached by ClinVar (database versions not stated): gnomAD exomes below 0.00001; gnomAD 0.00001; 1000 Genomes Project 30x 0.00016; 1000 Genomes Project 0.00020.
gnomAD v4.1: 1 of 1,613,920 alleles (0.000062%); highest among the groups gnomAD compares: Admixed American, 0.0017%; no homozygotes.

Submissions (5):

Evidence-based Network for the Interpretation of Germline Mutant Alleles (ENIGMA)
Classification: Likely benign for Breast-ovarian cancer, familial, susceptibility to, 1. Last evaluated: 2017-06-29. Review status: reviewed by expert panel. Criteria: ENIGMA BRCA1/2 Classification Criteria (2017-06-29). Collection method: curation. Allele origin: germline.
Comment: Synonymous substitution variant, with low bioinformatic likelihood to result in a splicing aberration (Splicing prior probability 0.02).

Labcorp Genetics (formerly Invitae), Labcorp
Classification: Likely benign for Hereditary breast ovarian cancer syndrome. Last evaluated: 2026-01-13. Review status: criteria provided, single submitter. Criteria: Invitae Variant Classification Sherloc (09022015). Collection method: clinical testing. Allele origin: germline. Not counted in ClinVar's aggregate classification.

Ambry Genetics
Classification: Likely benign for Hereditary cancer-predisposing syndrome. Last evaluated: 2021-05-25. Review status: criteria provided, single submitter. Criteria: Ambry Variant Classification Scheme 2023. Collection method: clinical testing. Allele origin: germline. Not counted in ClinVar's aggregate classification.

Women's Health and Genetics/Laboratory Corporation of America, LabCorp
Classification: Likely benign. Last evaluated: 2020-01-31. Review status: criteria provided, single submitter. Criteria: LabCorp Variant Classification Summary - May 2015. Collection method: clinical testing. Allele origin: germline. Not counted in ClinVar's aggregate classification.

GeneDx
Classification: Likely benign. Last evaluated: 2017-04-26. Review status: criteria provided, single submitter. Criteria: GeneDx Variant Classification (06012015). Collection method: clinical testing. Allele origin: germline. Affected: yes. Not counted in ClinVar's aggregate classification.
Comment: This variant is considered likely benign or benign based on one or more of the following criteria: it is a conservative change, it occurs at a poorly conserved position in the protein, it is predicted to be benign by multiple in silico algorithms, and/or has population frequency not consistent with disease.

Literature cited by the submitters: PubMed 16267036 (cited by Women's Health and Genetics/Laboratory Corporation of America, LabCorp).

NM_007294.4(BRCA1):c.3213A>G (p.Glu1071=)

Genes: BRCA1 (BRCA1 DNA repair associated; minus strand), LOC126862571 (BRD4-independent group 4 enhancer GRCh37_chr17:41243136-41244335; plus strand). Cytogenetic location: 17q21.31.
Variant type: single nucleotide variant.
Coding change: c.3213A>G on transcript NM_007294.4 (MANE Select); coding-DNA position 3213, A replaced by G.
Protein change: p.Glu1071=; no amino-acid change (glutamic acid 1071 retained).
Molecular consequence: synonymous variant. On other transcripts: intron variant (137).
Genome position (GRCh38, 1-based): chr17:43,092,318, T>C on the plus strand (A>G on the coding strand, the complement: BRCA1 is on the minus strand). VCF-style: chr17-43092318-T-C. GRCh37 (hg19) VCF-style: chr17-41244335-T-C.
Other names: c.2949A>G, p.Glu983= (NM_001407925.1, NM_001407926.1, NM_001407927.1 and 9 more transcripts); c.2946A>G, p.Glu982= (NM_001407930.1, NM_001407931.1, NM_001407932.1 and 2 more transcripts); c.3090A>G, p.Glu1030= (NM_001407937.1, NM_001407938.1, NM_001407939.1 and 19 more transcripts); c.3087A>G, p.Glu1029= (NM_001407940.1, NM_001407941.1, NM_001407649.1 and 11 more transcripts); c.3072A>G, p.Glu1024= (NM_001407942.1, NM_001407944.1, NM_001407945.1 and 29 more transcripts); c.3069A>G, p.Glu1023= (NM_001407943.1, NM_001407964.1, NM_001407740.1 and 20 more transcripts); c.2880A>G, p.Glu960= (NM_001407946.1, NM_001407947.1, NM_001407948.1 and 6 more transcripts); c.2877A>G, p.Glu959= (NM_001407954.1, NM_001407955.1, NM_001407956.1 and 1 more transcripts); and 41 more.
Identifiers: ClinVar variation 382207 (VCV000382207.18), dbSNP rs528254652, ClinGen allele CA16608447.